The following is an entry in ClinVar:

NM_007347.5(AP4E1):c.953T>C (p.Phe318Ser)

Gene: AP4E1 (adaptor related protein complex 4 subunit epsilon 1; plus strand). Cytogenetic location: 15q21.2.
Variant type: single nucleotide variant.
Coding change: c.953T>C on transcript NM_007347.5 (MANE Select); coding-DNA position 953, T replaced by C.
Protein change: p.Phe318Ser; replaces phenylalanine 318 with serine.
Molecular consequence: missense variant.
Genome position (GRCh38, 1-based): chr15:50,941,451, T>C. VCF-style: chr15-50941451-T-C. GRCh37 (hg19) VCF-style: chr15-51233648-T-C.
Other names: c.728T>C, p.Phe243Ser (NM_001252127.2); short protein forms F243S, F318S.
Identifiers: ClinVar variation 2201424 (VCV002201424.4), dbSNP rs2063986210, ClinGen allele CA392416569.

ClinVar aggregate classification (germline): Uncertain significance (1 of 4 stars; one submission).

Conditions:
Spastic paraplegia. Identifiers: MedGen C0037772, HP:0001258.

Allele frequency attached by ClinVar (database versions not stated): gnomAD exomes below 0.00001; gnomAD 0.00001; TOPMed 0.00002.
gnomAD v4.1: 2 of 1,612,608 alleles (0.00012%); highest among the groups gnomAD compares: Admixed American, 0.0017%; no homozygotes.

Submission:

Labcorp Genetics (formerly Invitae), Labcorp
Classification: Uncertain significance for Spastic paraplegia. Last evaluated: 2024-11-05. Review status: criteria provided, single submitter. Criteria: Invitae Variant Classification Sherloc (09022015). Collection method: clinical testing. Allele origin: germline.
Comment: This sequence change replaces phenylalanine, which is neutral and non-polar, with serine, which is neutral and polar, at codon 318 of the AP4E1 protein (p.Phe318Ser). This variant is not present in population databases (gnomAD no frequency). This variant has not been reported in the literature in individuals affected with AP4E1-related conditions. ClinVar contains an entry for this variant (Variation ID: 2201424). An algorithm developed to predict the effect of missense changes on protein structure and function (PolyPhen-2) suggests that this variant is likely to be disruptive. In summary, the available evidence is currently insufficient to determine the role of this variant in disease. Therefore, it has been classified as a Variant of Uncertain Significance.